The following is an entry in ClinVar:

ClinVar aggregate classification (germline): Likely pathogenic (1 of 4 stars; one submission).

Conditions:
Fabry disease. Also called: ALPHA-GALACTOSIDASE A DEFICIENCY; ANDERSON-FABRY DISEASE; CERAMIDE TRIHEXOSIDASE DEFICIENCY; GLA DEFICIENCY; HEREDITARY DYSTOPIC LIPIDOSIS; Angiokeratoma corporis diffusum. Identifiers: Orphanet 324, MedGen C0002986, MONDO:0010526, OMIM 301500, HP:0001071. Disease mechanism: Fabry disease is due to inactivating mutations in the X-linked GLA gene resulting in deficiency of the enzyme Alpha Galactosidase-A., loss of function.

Submission:

Genomenon, Inc
Classification: Likely pathogenic for Fabry disease. Last evaluated: 2026-09-08. Review status: criteria provided, single submitter. Criteria: Genomenon Sequence Variant Interpretation Standards - Updated. Collection method: curation. Allele origin: germline. Affected: no.
Comment: GLA p.Arg356LeufsTer33 (c.1067_1082delinsTACTCTTAT) is a frameshift variant that is predicted to introduce a premature termination codon and result in a truncated or absent protein product. This variant has been reported in the published literature (PMID:32843101;33016649). It is absent or not present at a significant frequency in gnomAD. In conclusion, we classify GLA p.Arg356LeufsTer33 (c.1067_1082delinsTACTCTTAT) as a likely pathogenic variant.

Literature cited by the submitters: PubMed 32843101; PubMed 33016649.

NM_000169.3(GLA):c.1067_1082delinsTACTCTTAT (p.Arg356fs)

Genes: GLA (galactosidase alpha; minus strand), RPL36A-HNRNPH2 (RPL36A-HNRNPH2 readthrough; plus strand). Cytogenetic location: Xq22.1.
Variant type: Indel.
Coding change: c.1067_1082delinsTACTCTTAT on transcript NM_000169.3 (MANE Select); coding-DNA positions 1067 to 1082, GGCAGGAGATTGGTGG replaced by TACTCTTAT.
Protein change: p.Arg356fs; shifts the reading frame from arginine 356.
Molecular consequence: frameshift variant. On other transcripts: non-coding transcript variant (3), intron variant (2).
Genome position (GRCh38, 1-based): chrX:101,398,017-101,398,032, CCACCAATCTCCTGCC replaced by ATAAGAGTA on the plus strand (GGCAGGAGATTGGTGG replaced by TACTCTTAT on the coding strand, the reverse complement: GLA is on the minus strand). VCF-style: chrX-101398017-CCACCAATCTCCTGCC-ATAAGAGTA. GRCh37 (hg19) VCF-style: chrX-100653005-CCACCAATCTCCTGCC-ATAAGAGTA.
Other names: c.1190_1205delinsTACTCTTAT, p.Arg397fs (NM_001406747.1); c.300+2560_300+2575delinsATAAGAGTA (NM_001199973.2); c.177+6195_177+6210delinsATAAGAGTA (NM_001199974.2); short protein forms R356fs, R397fs.
Identifiers: ClinVar variation 4087047 (VCV004087047.2).